The following is an entry in ClinVar:

NM_033310.3(KCNK4):c.710T>C (p.Phe237Ser)

Genes: KCNK4 (potassium two pore domain channel subfamily K member 4; plus strand), KCNK4-CATSPERZ (KCNK4-CATSPERZ readthrough (NMD candidate); plus strand). Cytogenetic location: 11q13.1.
Variant type: single nucleotide variant.
Coding change: c.710T>C on transcript NM_033310.3 (MANE Select); coding-DNA position 710, T replaced by C.
Protein change: p.Phe237Ser; replaces phenylalanine 237 with serine.
Molecular consequence: missense variant. On other transcripts: non-coding transcript variant (3).
Genome position (GRCh38, 1-based): chr11:64,298,158, T>C. VCF-style: chr11-64298158-T-C. GRCh37 (hg19) VCF-style: chr11-64065630-T-C.
Other names: c.710T>C, p.Phe237Ser (NM_001317090.2, NM_033311.1); short protein forms F237S.
Identifiers: ClinVar variation 2044200 (VCV002044200.4), dbSNP rs372008891, ClinGen allele CA6073150.

ClinVar aggregate classification (germline): Uncertain significance (1 of 4 stars; one submission).

Allele frequency attached by ClinVar (database versions not stated): TOPMed below 0.00001; ExAC 0.00001; ESP Exome Variant Server 0.00008.

Submission:

Labcorp Genetics (formerly Invitae), Labcorp
Classification: Uncertain significance. Last evaluated: 2022-07-05. Review status: criteria provided, single submitter. Criteria: Invitae Variant Classification Sherloc (09022015). Collection method: clinical testing. Allele origin: germline.
Comment: In summary, the available evidence is currently insufficient to determine the role of this variant in disease. Therefore, it has been classified as a Variant of Uncertain Significance. Algorithms developed to predict the effect of missense changes on protein structure and function are either unavailable or do not agree on the potential impact of this missense change (SIFT: "Not Available"; PolyPhen-2: "Probably Damaging"; Align-GVGD: "Not Available"). This variant has not been reported in the literature in individuals affected with KCNK4-related conditions. This variant is present in population databases (rs372008891, gnomAD 0.007%). This sequence change replaces phenylalanine, which is neutral and non-polar, with serine, which is neutral and polar, at codon 237 of the KCNK4 protein (p.Phe237Ser).